The following is an entry in ClinVar:

NM_000245.4(MET):c.3116A>G (p.Asp1039Gly)

Gene: MET (MET proto-oncogene, receptor tyrosine kinase; plus strand). Cytogenetic location: 7q31.2.
Variant type: single nucleotide variant.
Coding change: c.3116A>G on transcript NM_000245.4 (MANE Select); coding-DNA position 3116, A replaced by G.
Protein change: p.Asp1039Gly; replaces aspartic acid 1039 with glycine.
Molecular consequence: missense variant.
Genome position (GRCh38, 1-based): chr7:116,774,968, A>G. VCF-style: chr7-116774968-A-G. GRCh37 (hg19) VCF-style: chr7-116415022-A-G.
Other names: c.3170A>G, p.Asp1057Gly (NM_001127500.3); c.1826A>G, p.Asp609Gly (NM_001324402.2); short protein forms D1039G, D1057G, D609G.
Identifiers: ClinVar variation 841726 (VCV000841726.10), dbSNP rs1794949125, ClinGen allele CA368988173.

ClinVar aggregate classification (germline): Uncertain significance. Review status: criteria provided, multiple submitters, no conflicts (2 of 4 stars). 2 submissions from 2 submitters: Uncertain significance (2). Last evaluated 2025-09-12.

Conditions:
Hereditary cancer-predisposing syndrome. Also called: Hereditary Cancer Syndrome; Hereditary neoplastic syndrome; Tumor predisposition; Neoplastic Syndromes, Hereditary. Identifiers: Orphanet 140162, MedGen C0027672, MeSH D009386, MONDO:0015356.
Renal cell carcinoma. Identifiers: Orphanet 217071, MedGen C0007134, MeSH D002292, MONDO:0005086, HP:0005584.

Allele frequency attached by ClinVar (database versions not stated): gnomAD exomes below 0.00001; TOPMed below 0.00001.
gnomAD v4.1: 2 of 1,614,058 alleles (0.00012%); highest among the groups gnomAD compares: Non-Finnish European, 0.00017%; no homozygotes.

Submissions (2):

Labcorp Genetics (formerly Invitae), Labcorp
Classification: Uncertain significance for Renal cell carcinoma. Last evaluated: 2025-09-12. Review status: criteria provided, single submitter. Criteria: Invitae Variant Classification Sherloc (09022015). Collection method: clinical testing. Allele origin: germline.
Comment: This sequence change replaces aspartic acid, which is acidic and polar, with glycine, which is neutral and non-polar, at codon 1057 of the MET protein (p.Asp1057Gly). This variant is not present in population databases (gnomAD no frequency). This variant has not been reported in the literature in individuals affected with MET-related conditions. ClinVar contains an entry for this variant (Variation ID: 841726). An algorithm developed to predict the effect of missense changes on protein structure and function (PolyPhen-2) suggests that this variant is likely to be disruptive. In summary, the available evidence is currently insufficient to determine the role of this variant in disease. Therefore, it has been classified as a Variant of Uncertain Significance.

Ambry Genetics
Classification: Uncertain significance for Hereditary cancer-predisposing syndrome. Last evaluated: 2024-04-07. Review status: criteria provided, single submitter. Criteria: Ambry Variant Classification Scheme 2023. Collection method: clinical testing. Allele origin: germline.
Comment: The p.D1057G variant (also known as c.3170A>G), located in coding exon 14 of the MET gene, results from an A to G substitution at nucleotide position 3170. The aspartic acid at codon 1057 is replaced by glycine, an amino acid with similar properties. This amino acid position is conserved. In addition, the in silico prediction for this alteration is inconclusive. Based on the available evidence, the clinical significance of this variant remains unclear.